The following is an entry in ClinVar:

ClinVar aggregate classification (germline): Pathogenic (1 of 4 stars; one submission).

Conditions:
Atypical hemolytic-uremic syndrome. Identifiers: Orphanet 2134, MedGen C2931788, MONDO:0016244.

Submission:

Genomenon, Inc
Classification: Pathogenic for Atypical hemolytic-uremic syndrome. Last evaluated: 2026-09-17. Review status: criteria provided, single submitter. Criteria: Genomenon Sequence Variant Interpretation Standards - Updated. Collection method: curation. Allele origin: germline. Affected: yes.
Comment: CFH c.2956+1G>A is a canonical splice variant affecting the donor splice site of intron 18. It is predicted to affect mRNA splicing, leading to a deleterious effect on the CFH protein. This variant has been observed in at least one proband affected with atypical hemolytic-uremic syndrome (PMID: 20106822). It is absent or not present at a significant frequency in gnomAD. In conclusion, we classify CFH c.2956+1G>A as a pathogenic variant.

Literature cited by the submitters: PubMed 20106822.

NM_000186.4(CFH):c.2956+1G>A

Gene: CFH (complement factor H; plus strand). Cytogenetic location: 1q31.3.
Variant type: single nucleotide variant.
Coding change: c.2956+1G>A on transcript NM_000186.4 (MANE Select); the canonical splice donor site of the intron after coding-DNA position 2956, G replaced by A.
Molecular consequence: splice donor variant.
Genome position (GRCh38, 1-based): chr1:196,740,793, G>A. VCF-style: chr1-196740793-G-A. GRCh37 (hg19) VCF-style: chr1-196709923-G-A.
Identifiers: ClinVar variation 4291526 (VCV004291526.2).